The following is an entry in ClinVar:

ClinVar aggregate classification (germline): Uncertain significance (1 of 4 stars; one submission).

Submission:

GeneDx
Classification: Uncertain significance. Last evaluated: 2023-04-21. Review status: criteria provided, single submitter. Criteria: GeneDx Variant Classification Process June 2021. Collection method: clinical testing. Allele origin: germline. Affected: yes.
Comment: Not observed at significant frequency in large population cohorts (gnomAD); In silico analysis supports that this missense variant has a deleterious effect on protein structure/function; Has not been previously published as pathogenic or benign to our knowledge

NM_001378183.1(PIEZO2):c.7502A>G (p.Tyr2501Cys)

Gene: PIEZO2 (piezo type mechanosensitive ion channel component 2; minus strand). Cytogenetic location: 18p11.22.
Variant type: single nucleotide variant.
Coding change: c.7502A>G on transcript NM_001378183.1 (MANE Select); coding-DNA position 7502, A replaced by G.
Protein change: p.Tyr2501Cys; replaces tyrosine 2501 with cysteine.
Molecular consequence: missense variant.
Genome position (GRCh38, 1-based): chr18:10,682,288, T>C on the plus strand (A>G on the coding strand, the complement: PIEZO2 is on the minus strand). VCF-style: chr18-10682288-T-C. GRCh37 (hg19) VCF-style: chr18-10682285-T-C.
Other names: c.7238A>G, p.Tyr2413Cys (NM_001410871.1); c.7163A>G, p.Tyr2388Cys (NM_022068.4); short protein forms Y2388C, Y2413C, Y2501C.
Identifiers: ClinVar variation 3343132 (VCV003343132.1).